The following is an entry in ClinVar:

NM_000051.4(ATM):c.8976del (p.Lys2992fs)

Genes: ATM (ATM serine/threonine kinase; plus strand), C11orf65 (chromosome 11 open reading frame 65; minus strand). Cytogenetic location: 11q22.3.
Variant type: Deletion.
Coding change: c.8976del on transcript NM_000051.4 (MANE Select); coding-DNA position 8976, one base deleted (A; older notation c.8976delA).
Protein change: p.Lys2992fs; shifts the reading frame from lysine 2992.
Molecular consequence: frameshift variant. On other transcripts: intron variant (2).
Genome position (GRCh38, 1-based): chr11:108,365,207, A deleted; the last of 3 consecutive A bases (chr11:108,365,205-108,365,207); deleting any one gives the same sequence. VCF-style (leftmost placement, unchanged base first): chr11-108365204-CA-C. GRCh37 (hg19) VCF-style: chr11-108235931-CA-C.
Other names: c.8976del, p.Lys2992fs (NM_001351834.2); c.640+20715del (NM_001330368.2); c.694+20715del (NM_001351110.2); short protein forms K2992fs.
Identifiers: ClinVar variation 1359846 (VCV001359846.8), dbSNP rs2137887202, ClinGen allele CA2573146497.

ClinVar aggregate classification (germline): Pathogenic (1 of 4 stars; one submission).

Conditions:
Ataxia-telangiectasia syndrome (AT). Also called: Ataxia-telangiectasia; LOUIS-BAR SYNDROME; Ataxia-telangiectasia, complementation group D; AT, COMPLEMENTATION GROUP C; ATAXIA-TELANGIECTASIA, COMPLEMENTATION GROUP A; ATAXIA-TELANGIECTASIA, FRESNO VARIANT. Identifiers: Orphanet 100, MedGen C0004135, MONDO:0008840, OMIM 208900.

Submission:

Labcorp Genetics (formerly Invitae), Labcorp
Classification: Pathogenic for Ataxia-telangiectasia syndrome. Last evaluated: 2023-12-22. Review status: criteria provided, single submitter. Criteria: Invitae Variant Classification Sherloc (09022015). Collection method: clinical testing. Allele origin: germline.
Comment: This sequence change creates a premature translational stop signal (p.Lys2992Asnfs*14) in the ATM gene. While this is not anticipated to result in nonsense mediated decay, it is expected to disrupt the last 65 amino acid(s) of the ATM protein. This variant is not present in population databases (gnomAD no frequency). This variant has not been reported in the literature in individuals affected with ATM-related conditions. ClinVar contains an entry for this variant (Variation ID: 1359846). This variant disrupts a region of the ATM protein in which other variant(s) (p.Arg3047*) have been determined to be pathogenic (PMID: 8755918, 10980530, 18560558, 19431188, 19691550, 26628246). This suggests that this is a clinically significant region of the protein, and that variants that disrupt it are likely to be disease-causing. For these reasons, this variant has been classified as Pathogenic.

Literature cited by the submitters: PubMed 8755918; PubMed 10980530; PubMed 18560558; PubMed 19431188; PubMed 19691550; PubMed 26628246.